The following is an entry in ClinVar:

NM_001690.4(ATP6V1A):c.692A>G (p.Gln231Arg)

Gene: ATP6V1A (ATPase H+ transporting V1 subunit A; plus strand). Cytogenetic location: 3q13.31.
Variant type: single nucleotide variant.
Coding change: c.692A>G on transcript NM_001690.4 (MANE Select); coding-DNA position 692, A replaced by G.
Protein change: p.Gln231Arg; replaces glutamine 231 with arginine.
Molecular consequence: missense variant.
Genome position (GRCh38, 1-based): chr3:113,786,359, A>G. VCF-style: chr3-113786359-A-G. GRCh37 (hg19) VCF-style: chr3-113505206-A-G.
Other names: short protein forms Q231R.
Identifiers: ClinVar variation 3359465 (VCV003359465.1).

ClinVar aggregate classification (germline): Uncertain significance (1 of 4 stars; one submission).

Submission:

GeneDx
Classification: Uncertain significance. Last evaluated: 2023-06-05. Review status: criteria provided, single submitter. Criteria: GeneDx Variant Classification Process June 2021. Collection method: clinical testing. Allele origin: germline. Affected: yes.
Comment: Not observed at significant frequency in large population cohorts (gnomAD); In silico analysis supports that this missense variant has a deleterious effect on protein structure/function; Has not been previously published as pathogenic or benign to our knowledge